The following is an entry in ClinVar:

ClinVar aggregate classification (germline): Uncertain significance (1 of 4 stars; one submission).

gnomAD v4.1: 2 of 1,537,068 alleles (0.00013%); highest among the groups gnomAD compares: African/African-American, 0.0027%; no homozygotes.

Submission:

Labcorp Genetics (formerly Invitae), Labcorp
Classification: Uncertain significance. Last evaluated: 2024-12-12. Review status: criteria provided, single submitter. Criteria: Invitae Variant Classification Sherloc (09022015). Collection method: clinical testing. Allele origin: germline.
Comment: This sequence change replaces arginine, which is basic and polar, with serine, which is neutral and polar, at codon 1739 of the RNF213 protein (p.Arg1739Ser). This variant is not present in population databases (gnomAD no frequency). This variant has not been reported in the literature in individuals affected with RNF213-related conditions. Invitae Evidence Modeling of protein sequence and biophysical properties (such as structural, functional, and spatial information, amino acid conservation, physicochemical variation, residue mobility, and thermodynamic stability) indicates that this missense variant is not expected to disrupt RNF213 protein function with a negative predictive value of 95%. In summary, the available evidence is currently insufficient to determine the role of this variant in disease. Therefore, it has been classified as a Variant of Uncertain Significance.

NM_001256071.3(RNF213):c.5217G>C (p.Arg1739Ser)

Gene: RNF213 (ring finger protein 213; plus strand). Cytogenetic location: 17q25.3.
Variant type: single nucleotide variant.
Coding change: c.5217G>C on transcript NM_001256071.3 (MANE Select); coding-DNA position 5217, G replaced by C.
Protein change: p.Arg1739Ser; replaces arginine 1739 with serine.
Molecular consequence: missense variant.
Genome position (GRCh38, 1-based): chr17:80,339,584, G>C. VCF-style: chr17-80339584-G-C. GRCh37 (hg19) VCF-style: chr17-78313384-G-C.
Other names: c.5364G>C, p.Arg1788Ser (NM_001410195.1, NM_020914.5); short protein forms R1739S, R1788S.
Identifiers: ClinVar variation 3624881 (VCV003624881.2).